The following is an entry in ClinVar:

NM_020066.5(FMN2):c.2240C>T (p.Ser747Phe)

Gene: FMN2 (formin 2; plus strand). Cytogenetic location: 1q43.
Variant type: single nucleotide variant.
Coding change: c.2240C>T on transcript NM_020066.5 (MANE Select); coding-DNA position 2240, C replaced by T.
Protein change: p.Ser747Phe; replaces serine 747 with phenylalanine.
Molecular consequence: missense variant. On other transcripts: intron variant (1).
Genome position (GRCh38, 1-based): chr1:240,207,052, C>T. VCF-style: chr1-240207052-C-T. GRCh37 (hg19) VCF-style: chr1-240370352-C-T.
Other names: c.2252C>T, p.Ser751Phe (NM_001305424.2); c.1986+18790C>T (NM_001348094.2); short protein forms S751F, S747F.
Identifiers: ClinVar variation 1033515 (VCV001033515.1), dbSNP rs776610158, ClinGen allele CA1476580.

ClinVar aggregate classification (germline): Uncertain significance (1 of 4 stars; one submission).

Conditions:
Intellectual developmental disorder, autosomal recessive 47. Also called: Intellectual disability, autosomal recessive 47. Identifiers: Orphanet 88616, MedGen C4015444, MONDO:0014524, OMIM 616193.

Allele frequency attached by ClinVar (database versions not stated): ExAC 0.00001; gnomAD 0.00001; gnomAD exomes below 0.00001 and 0.00002; TOPMed 0.00001.
gnomAD v4.1: 26 of 1,614,012 alleles (0.0016%); highest among the groups gnomAD compares: Non-Finnish European, 0.0021%; no homozygotes.

Submission:

Baylor Genetics
Classification: Uncertain significance for Intellectual developmental disorder, autosomal recessive 47. Last evaluated: 2018-12-06. Review status: criteria provided, single submitter. Criteria: ACMG Guidelines, 2015. Collection method: clinical testing. Allele origin: unknown. Affected: yes.
Comment: This variant was determined to be of uncertain significance according to ACMG Guidelines, 2015 [PMID:25741868].